The following is an entry in ClinVar:

NM_000051.4(ATM):c.2864C>A (p.Pro955His)

Gene: ATM (ATM serine/threonine kinase; plus strand). Cytogenetic location: 11q22.3.
Variant type: single nucleotide variant.
Coding change: c.2864C>A on transcript NM_000051.4 (MANE Select); coding-DNA position 2864, C replaced by A.
Protein change: p.Pro955His; replaces proline 955 with histidine.
Molecular consequence: missense variant.
Genome position (GRCh38, 1-based): chr11:108,271,089, C>A. VCF-style: chr11-108271089-C-A. GRCh37 (hg19) VCF-style: chr11-108141816-C-A.
Other names: c.2864C>A, p.Pro955His (NM_001351834.2); short protein forms P955H.
Identifiers: ClinVar variation 650070 (VCV000650070.7), dbSNP rs1591602301, ClinGen allele CA382546775.

ClinVar aggregate classification (germline): Uncertain significance. Review status: criteria provided, multiple submitters, no conflicts (2 of 4 stars). 2 submissions from 2 submitters: Uncertain significance (2). Last evaluated 2025-10-30.

Conditions:
Ataxia-telangiectasia syndrome (AT). Also called: ATAXIA-TELANGIECTASIA, FRESNO VARIANT; Ataxia-telangiectasia, complementation group E; Ataxia telangiectasia (A-T); Cerebello-oculocutaneous telangiectasia; Immunodeficiency with ataxia telangiectasia; LOUIS-BAR SYNDROME. Identifiers: Orphanet 100, MedGen C0004135, MONDO:0008840, OMIM 208900.
Hereditary cancer-predisposing syndrome. Also called: Hereditary Cancer Syndrome; Tumor predisposition; Neoplastic Syndromes, Hereditary; Hereditary neoplastic syndrome. Identifiers: Orphanet 140162, MedGen C0027672, MeSH D009386, MONDO:0015356.

Submissions (2):

Ambry Genetics
Classification: Uncertain significance for Hereditary cancer-predisposing syndrome. Last evaluated: 2025-10-30. Review status: criteria provided, single submitter. Criteria: Ambry Variant Classification Scheme 2023. Collection method: clinical testing. Allele origin: germline.
Comment: The p.P955H variant (also known as c.2864C>A), located in coding exon 18 of the ATM gene, results from a C to A substitution at nucleotide position 2864. The proline at codon 955 is replaced by histidine, an amino acid with similar properties. This amino acid position is highly conserved in available vertebrate species. In addition, the in silico prediction for this alteration is inconclusive. Based on the available evidence, the clinical significance of this variant remains unclear.

Labcorp Genetics (formerly Invitae), Labcorp
Classification: Uncertain significance for Ataxia-telangiectasia syndrome. Last evaluated: 2021-11-19. Review status: criteria provided, single submitter. Criteria: Invitae Variant Classification Sherloc (09022015). Collection method: clinical testing. Allele origin: germline.
Comment: ClinVar contains an entry for this variant (Variation ID: 650070). In summary, the available evidence is currently insufficient to determine the role of this variant in disease. Therefore, it has been classified as a Variant of Uncertain Significance. Advanced modeling of protein sequence and biophysical properties (such as structural, functional, and spatial information, amino acid conservation, physicochemical variation, residue mobility, and thermodynamic stability) performed at Invitae indicates that this missense variant is not expected to disrupt ATM protein function. This variant has not been reported in the literature in individuals affected with ATM-related conditions. This variant is not present in population databases (gnomAD no frequency). This sequence change replaces proline, which is neutral and non-polar, with histidine, which is basic and polar, at codon 955 of the ATM protein (p.Pro955His).